The following is an entry in ClinVar:

NM_001009944.3(PKD1):c.10050G>A (p.Lys3350=)

Gene: PKD1 (polycystin 1, transient receptor potential channel interacting; minus strand). Cytogenetic location: 16p13.3.
Variant type: single nucleotide variant.
Coding change: c.10050G>A on transcript NM_001009944.3 (MANE Select); coding-DNA position 10050, G replaced by A.
Protein change: p.Lys3350=; no amino-acid change (lysine 3350 retained).
Molecular consequence: synonymous variant.
Genome position (GRCh38, 1-based): chr16:2,099,644, C>T on the plus strand (G>A on the coding strand, the complement: PKD1 is on the minus strand). VCF-style: chr16-2099644-C-T. GRCh37 (hg19) VCF-style: chr16-2149645-C-T.
Other names: c.10050G>A, p.Lys3350= (NM_000296.4).
Identifiers: ClinVar variation 3772168 (VCV003772168.13).

ClinVar aggregate classification (germline): Uncertain significance (1 of 4 stars; one submission).

Submission:

CeGaT Center for Human Genetics Tuebingen
Classification: Uncertain significance. Last evaluated: 2026-04-01. Review status: criteria provided, single submitter. Criteria: CeGaT Center For Human Genetics Tuebingen Variant Classification Criteria Version 2. Collection method: clinical testing. Allele origin: germline. Affected: yes. Observed: 2 variant alleles.
Comment: PKD1: PM2, PP3